The following is an entry in ClinVar:

ClinVar aggregate classification (germline): Uncertain significance (1 of 4 stars; one submission).

Conditions:
Hereditary cancer-predisposing syndrome. Also called: Hereditary Cancer Syndrome; Hereditary neoplastic syndrome; Neoplastic Syndromes, Hereditary; Tumor predisposition. Identifiers: Orphanet 140162, MedGen C0027672, MeSH D009386, MONDO:0015356.

Submission:

Ambry Genetics
Classification: Uncertain significance for Hereditary cancer-predisposing syndrome. Last evaluated: 2022-04-09. Review status: criteria provided, single submitter. Criteria: Ambry Variant Classification Scheme 2023. Collection method: clinical testing. Allele origin: germline.
Comment: The p.C443F variant (also known as c.1328G>T), located in coding exon 10 of the SDHA gene, results from a G to T substitution at nucleotide position 1328. The cysteine at codon 443 is replaced by phenylalanine, an amino acid with highly dissimilar properties. This amino acid position is conserved. In addition, the in silico prediction for this alteration is inconclusive. Since supporting evidence is limited at this time, the clinical significance of this alteration remains unclear.

NM_004168.4(SDHA):c.1328G>T (p.Cys443Phe)

Gene: SDHA (succinate dehydrogenase complex flavoprotein subunit A; plus strand). Cytogenetic location: 5p15.33.
Variant type: single nucleotide variant.
Coding change: c.1328G>T on transcript NM_004168.4 (MANE Select); coding-DNA position 1328, G replaced by T.
Protein change: p.Cys443Phe; replaces cysteine 443 with phenylalanine.
Molecular consequence: missense variant.
Genome position (GRCh38, 1-based): chr5:236,495, G>T. VCF-style: chr5-236495-G-T. GRCh37 (hg19) VCF-style: chr5-236610-G-T.
Other names: c.1184G>T, p.Cys395Phe (NM_001294332.2); c.1328G>T, p.Cys443Phe (NM_001330758.2); short protein forms C395F, C443F.
Identifiers: ClinVar variation 1770062 (VCV001770062.2), dbSNP rs2126589863, ClinGen allele CA359013939.